The following is an entry in ClinVar:

NM_004423.4(DVL3):c.1788C>T (p.Ser596=)

Gene: DVL3 (dishevelled segment polarity protein 3; plus strand). Cytogenetic location: 3q27.1.
Variant type: single nucleotide variant.
Coding change: c.1788C>T on transcript NM_004423.4 (MANE Select); coding-DNA position 1788, C replaced by T.
Protein change: p.Ser596=; no amino-acid change (serine 596 retained).
Molecular consequence: synonymous variant.
Genome position (GRCh38, 1-based): chr3:184,170,392, C>T. VCF-style: chr3-184170392-C-T. GRCh37 (hg19) VCF-style: chr3-183888180-C-T.
Identifiers: ClinVar variation 734120 (VCV000734120.31), dbSNP rs367640106, ClinGen allele CA2727522.
Genomic context (GRCh38, chr3:184,170,392, plus strand): 5'-TGGCTCCAACCGTAGCGGCAGCGATCGGAGGAAGGAGAAGGACCCGAAGGCCGGGGACTC[C>T]AAGTCCGGGGGCAGCGGCAGCGAATCGGACCACACCACACGCAGCAGCCTGCGGGGGCCG-3'
Protein context (NP_004414.3, residues 586-606): RKEKDPKAGD[Ser596=]KSGGSGSESD

ClinVar aggregate classification (germline): Benign/Likely benign. Review status: criteria provided, multiple submitters, no conflicts (2 of 4 stars). 3 submissions from 3 submitters: Benign (1); Likely benign (2). Last evaluated 2025-12-22.

Allele frequency attached by ClinVar (database versions not stated): gnomAD exomes 0.00056 and 0.00101; ESP Exome Variant Server 0.00063; TOPMed 0.00075; ExAC 0.00080; gnomAD 0.00080 and 0.00086; 1000 Genomes Project 30x 0.00016; 1000 Genomes Project 0.00020.
gnomAD v4.1: 1,584 of 1,604,752 alleles (0.099%); highest among the groups gnomAD compares: Non-Finnish European, 0.13%; 2 homozygotes.

Submissions (3):

Labcorp Genetics (formerly Invitae), Labcorp
Classification: Benign. Last evaluated: 2025-12-22. Review status: criteria provided, single submitter. Criteria: Invitae Variant Classification Sherloc (09022015). Collection method: clinical testing. Allele origin: germline.

Blueprint Genetics
Classification: Likely benign. Last evaluated: 2024-10-15. Review status: criteria provided, single submitter. Criteria: ACMG Guidelines, 2015. Collection method: clinical testing. Allele origin: germline.

CeGaT Center for Human Genetics Tuebingen
Classification: Likely benign. Last evaluated: 2024-01-01. Review status: criteria provided, single submitter. Criteria: CeGaT Center For Human Genetics Tuebingen Variant Classification Criteria Version 2. Collection method: clinical testing. Allele origin: germline. Affected: yes. Observed: 1 variant allele.
Comment: DVL3: BP4, BP7